The following is an entry in ClinVar:

NM_002187.3(IL12B):c.669C>T (p.Tyr223=)

Gene: IL12B (interleukin 12B; minus strand). Cytogenetic location: 5q33.3.
Variant type: single nucleotide variant.
Coding change: c.669C>T on transcript NM_002187.3 (MANE Select); coding-DNA position 669, C replaced by T.
Protein change: p.Tyr223=; no amino-acid change (tyrosine 223 retained).
Molecular consequence: synonymous variant.
Genome position (GRCh38, 1-based): chr5:159,320,334, G>A on the plus strand (C>T on the coding strand, the complement: IL12B is on the minus strand). VCF-style: chr5-159320334-G-A. GRCh37 (hg19) VCF-style: chr5-158747342-G-A.
Identifiers: ClinVar variation 776100 (VCV000776100.14), dbSNP rs149027358, ClinGen allele CA3538749.

ClinVar aggregate classification (germline): Benign/Likely benign. Review status: criteria provided, multiple submitters, no conflicts (2 of 4 stars). 3 submissions from 3 submitters: Benign (1); Likely benign (1). 1 of the submissions does not count toward it. Last evaluated 2026-01-11.

Conditions:
Mendelian susceptibility to mycobacterial diseases due to complete IL12B deficiency. Also called: IL12B DEFICIENCY; Immunodeficiency 29. Identifiers: Orphanet 319558, MedGen C4013948, MONDO:0013954, OMIM 614890.
IL12B-related disorder. Also called: IL12B-related condition.

Allele frequency attached by ClinVar (database versions not stated): gnomAD exomes 0.00009 and 0.00027; ExAC 0.00038; gnomAD 0.00114 and 0.00118; ESP Exome Variant Server 0.00123; 1000 Genomes Project 30x 0.00125; TOPMed 0.00127; 1000 Genomes Project 0.00160.

Submissions (3):

Labcorp Genetics (formerly Invitae), Labcorp
Classification: Benign for Mendelian susceptibility to mycobacterial diseases due to complete IL12B deficiency. Last evaluated: 2026-01-11. Review status: criteria provided, single submitter. Criteria: Invitae Variant Classification Sherloc (09022015). Collection method: clinical testing. Allele origin: germline.

Blueprint Genetics
Classification: Likely benign. Last evaluated: 2024-09-09. Review status: criteria provided, single submitter. Criteria: ACMG Guidelines, 2015. Collection method: clinical testing. Allele origin: germline.

PreventionGenetics, part of Exact Sciences
Classification: Likely benign for IL12B-related condition. Last evaluated: 2019-06-17. Review status: no assertion criteria provided. Collection method: clinical testing. Allele origin: germline. Not counted in ClinVar's aggregate classification.
Comment: This variant is classified as likely benign based on ACMG/AMP sequence variant interpretation guidelines (Richards et al. 2015 PMID: 25741868, with internal and published modifications).